The following is an entry in ClinVar:

ClinVar aggregate classification (germline): Uncertain significance (1 of 4 stars; one submission).

Conditions:
Pulmonary hypertension, primary, 4. Identifiers: Orphanet 422, MedGen C3809198, MONDO:0014136, OMIM 615344.

Submission:

Labcorp Genetics (formerly Invitae), Labcorp
Classification: Uncertain significance for Pulmonary hypertension, primary, 4. Last evaluated: 2025-11-24. Review status: criteria provided, single submitter. Criteria: Invitae Variant Classification Sherloc (09022015). Collection method: clinical testing. Allele origin: germline.
Comment: This sequence change replaces alanine, which is neutral and non-polar, with valine, which is neutral and non-polar, at codon 213 of the KCNK3 protein (p.Ala213Val). This variant is not present in population databases (gnomAD no frequency). This variant has not been reported in the literature in individuals affected with KCNK3-related conditions. Invitae Evidence Modeling of protein sequence and biophysical properties (such as structural, functional, and spatial information, amino acid conservation, physicochemical variation, residue mobility, and thermodynamic stability) indicates that this missense variant is not expected to disrupt KCNK3 protein function with a negative predictive value of 80%. In summary, the available evidence is currently insufficient to determine the role of this variant in disease. Therefore, it has been classified as a Variant of Uncertain Significance.

NM_002246.3(KCNK3):c.638C>T (p.Ala213Val)

Gene: KCNK3 (potassium two pore domain channel subfamily K member 3; plus strand). Cytogenetic location: 2p23.3.
Variant type: single nucleotide variant.
Coding change: c.638C>T on transcript NM_002246.3 (MANE Select); coding-DNA position 638, C replaced by T.
Protein change: p.Ala213Val; replaces alanine 213 with valine.
Molecular consequence: missense variant.
Genome position (GRCh38, 1-based): chr2:26,728,021, C>T. VCF-style: chr2-26728021-C-T. GRCh37 (hg19) VCF-style: chr2-26950889-C-T.
Other names: short protein forms A213V.
Identifiers: ClinVar variation 4772507 (VCV004772507.1).